The following is an entry in ClinVar:

ClinVar aggregate classification (germline): Uncertain significance (1 of 4 stars; one submission).

Conditions:
Glutathione synthetase deficiency with 5-oxoprolinuria. Also called: PYROGLUTAMIC ACIDURIA; 5-Oxoprolinuria; Gluthathione synthetase deficiency; 5-OXOPROLINURIA DUE TO GLUTATHIONE SYNTHETASE DEFICIENCY; Reduced glutathione synthetase level. Identifiers: Orphanet 289846, MedGen C0398746, MONDO:0009947, OMIM 266130, HP:0003343.

Allele frequency attached by ClinVar (database versions not stated): gnomAD exomes below 0.00001.
gnomAD v4.1: 1 of 1,611,474 alleles (0.000062%); highest among the groups gnomAD compares: Non-Finnish European, 0.000085%; no homozygotes.

Submission:

Labcorp Genetics (formerly Invitae), Labcorp
Classification: Uncertain significance for Glutathione synthetase deficiency with 5-oxoprolinuria. Last evaluated: 2023-12-11. Review status: criteria provided, single submitter. Criteria: Invitae Variant Classification Sherloc (09022015). Collection method: clinical testing. Allele origin: germline.
Comment: This sequence change replaces lysine, which is basic and polar, with glutamic acid, which is acidic and polar, at codon 178 of the GSS protein (p.Lys178Glu). This variant is not present in population databases (gnomAD no frequency). This variant has not been reported in the literature in individuals affected with GSS-related conditions. Advanced modeling of protein sequence and biophysical properties (such as structural, functional, and spatial information, amino acid conservation, physicochemical variation, residue mobility, and thermodynamic stability) performed at Invitae indicates that this missense variant is not expected to disrupt GSS protein function with a negative predictive value of 80%. In summary, the available evidence is currently insufficient to determine the role of this variant in disease. Therefore, it has been classified as a Variant of Uncertain Significance.

NM_000178.4(GSS):c.532A>G (p.Lys178Glu)

Gene: GSS (glutathione synthetase; minus strand). Cytogenetic location: 20q11.22.
Variant type: single nucleotide variant.
Coding change: c.532A>G on transcript NM_000178.4 (MANE Select); coding-DNA position 532, A replaced by G.
Protein change: p.Lys178Glu; replaces lysine 178 with glutamic acid.
Molecular consequence: missense variant.
Genome position (GRCh38, 1-based): chr20:34,941,789, T>C on the plus strand (A>G on the coding strand, the complement: GSS is on the minus strand). VCF-style: chr20-34941789-T-C. GRCh37 (hg19) VCF-style: chr20-33529592-T-C.
Other names: c.532A>G, p.Lys178Glu (NM_001322494.1, NM_001322495.1); short protein forms K178E.
Identifiers: ClinVar variation 2745226 (VCV002745226.3), dbSNP rs2519031284, ClinGen allele CA408703969.